The following is an entry in ClinVar:

NM_181552.4(CUX1):c.4153G>T (p.Asp1385Tyr)

Gene: CUX1 (cut like homeobox 1; plus strand). Cytogenetic location: 7q22.1.
Variant type: single nucleotide variant.
Coding change: c.4153G>T on transcript NM_181552.4 (MANE Select); coding-DNA position 4153, G replaced by T.
Protein change: p.Asp1385Tyr; replaces aspartic acid 1385 with tyrosine.
Molecular consequence: missense variant. On other transcripts: intron variant (5).
Genome position (GRCh38, 1-based): chr7:102,248,677, G>T. VCF-style: chr7-102248677-G-T. GRCh37 (hg19) VCF-style: chr7-101891957-G-T.
Other names: c.4186G>T, p.Asp1396Tyr (NM_001202543.2); c.1256-24689G>T (NM_001913.5); c.1250-24689G>T (NM_181500.4); c.1118-24689G>T (NM_001202545.3); c.1208-24689G>T (NM_001202544.3); c.1139-24689G>T (NM_001202546.3); short protein forms D1385Y, D1396Y.
Identifiers: ClinVar variation 3368526 (VCV003368526.1).

ClinVar aggregate classification (germline): Uncertain significance (1 of 4 stars; one submission).

Submission:

GeneDx
Classification: Uncertain significance. Last evaluated: 2024-02-03. Review status: criteria provided, single submitter. Criteria: GeneDx Variant Classification Process June 2021. Collection method: clinical testing. Allele origin: germline. Affected: yes.
Comment: Not observed at significant frequency in large population cohorts (gnomAD); In silico analysis supports that this missense variant does not alter protein structure/function; Has not been previously published as pathogenic or benign to our knowledge